The following is an entry in ClinVar:

ClinVar aggregate classification (germline): Uncertain significance. Review status: criteria provided, multiple submitters, no conflicts (2 of 4 stars). 2 submissions from 2 submitters: Uncertain significance (2). Last evaluated 2022-01-25.

Allele frequency attached by ClinVar (database versions not stated): gnomAD 0.00005; TOPMed 0.00006; gnomAD exomes 0.00008 and 0.00009; ExAC 0.00012.
gnomAD v4.1: 129 of 1,612,920 alleles (0.008%); highest among the groups gnomAD compares: Non-Finnish European, 0.011%; no homozygotes.

Submissions (2):

Labcorp Genetics (formerly Invitae), Labcorp
Classification: Uncertain significance. Last evaluated: 2022-01-25. Review status: criteria provided, single submitter. Criteria: Invitae Variant Classification Sherloc (09022015). Collection method: clinical testing. Allele origin: germline.
Comment: Algorithms developed to predict the effect of missense changes on protein structure and function (SIFT, PolyPhen-2, Align-GVGD) all suggest that this variant is likely to be disruptive. In summary, the available evidence is currently insufficient to determine the role of this variant in disease. Therefore, it has been classified as a Variant of Uncertain Significance. ClinVar contains an entry for this variant (Variation ID: 1311963). This variant has not been reported in the literature in individuals affected with FARSB-related conditions. This variant is present in population databases (rs560541569, gnomAD 0.02%). This sequence change replaces glycine, which is neutral and non-polar, with alanine, which is neutral and non-polar, at codon 373 of the FARSB protein (p.Gly373Ala).

GeneDx
Classification: Uncertain significance. Last evaluated: 2020-02-07. Review status: criteria provided, single submitter. Criteria: GeneDx Variant Classification Process June 2021. Collection method: clinical testing. Allele origin: germline. Affected: yes.
Comment: Has not been previously published as pathogenic or benign to our knowledge; In silico analysis supports that this missense variant has a deleterious effect on protein structure/function

NM_005687.5(FARSB):c.1118G>C (p.Gly373Ala)

Gene: FARSB (phenylalanyl-tRNA synthetase subunit beta; minus strand). Cytogenetic location: 2q36.1.
Variant type: single nucleotide variant.
Coding change: c.1118G>C on transcript NM_005687.5 (MANE Select); coding-DNA position 1118, G replaced by C.
Protein change: p.Gly373Ala; replaces glycine 373 with alanine.
Molecular consequence: missense variant. On other transcripts: non-coding transcript variant (1).
Genome position (GRCh38, 1-based): chr2:222,624,324, C>G on the plus strand (G>C on the coding strand, the complement: FARSB is on the minus strand). VCF-style: chr2-222624324-C-G. GRCh37 (hg19) VCF-style: chr2-223489043-C-G.
Other names: short protein forms G373A.
Identifiers: ClinVar variation 1311963 (VCV001311963.6), dbSNP rs560541569, ClinGen allele CA2136457.